The following is an entry in ClinVar:

NM_001458.5(FLNC):c.2347G>A (p.Glu783Lys)

Gene: FLNC (filamin C; plus strand). Cytogenetic location: 7q32.1.
Variant type: single nucleotide variant.
Coding change: c.2347G>A on transcript NM_001458.5 (MANE Select); coding-DNA position 2347, G replaced by A.
Protein change: p.Glu783Lys; replaces glutamic acid 783 with lysine.
Molecular consequence: missense variant.
Genome position (GRCh38, 1-based): chr7:128,842,656, G>A. VCF-style: chr7-128842656-G-A. GRCh37 (hg19) VCF-style: chr7-128482710-G-A.
Other names: c.2347G>A, p.Glu783Lys (NM_001127487.2); short protein forms E783K.
Identifiers: ClinVar variation 2944435 (VCV002944435.3), dbSNP rs2536631524, ClinGen allele CA369191295.

ClinVar aggregate classification (germline): Uncertain significance (1 of 4 stars; one submission).

Conditions:
Hypertrophic cardiomyopathy 26. Also called: Cardiomyopathy, familial hypertrophic, 26. Identifiers: Orphanet 75249, MedGen C4310749, MONDO:0014883, OMIM 617047.
Myofibrillar myopathy 5. Also called: Filaminopathy (type); FILAMINOPATHY, AUTOSOMAL DOMINANT. Identifiers: Orphanet 171445, MedGen C1836050, MONDO:0012289, OMIM 609524.
Distal myopathy with posterior leg and anterior hand involvement. Also called: WILLIAMS DISTAL MYOPATHY. Identifiers: Orphanet 63273, MedGen C3279722, MONDO:0013550, OMIM 614065.

Submission:

Labcorp Genetics (formerly Invitae), Labcorp
Classification: Uncertain significance for Distal myopathy with posterior leg and anterior hand involvement; Myofibrillar myopathy 5; Hypertrophic cardiomyopathy 26. Last evaluated: 2023-02-17. Review status: criteria provided, single submitter. Criteria: Invitae Variant Classification Sherloc (09022015). Collection method: clinical testing. Allele origin: germline.
Comment: This variant has not been reported in the literature in individuals affected with FLNC-related conditions. Advanced modeling of protein sequence and biophysical properties (such as structural, functional, and spatial information, amino acid conservation, physicochemical variation, residue mobility, and thermodynamic stability) has been performed at Invitae for this missense variant, however the output from this modeling did not meet the statistical confidence thresholds required to predict the impact of this variant on FLNC protein function. In summary, the available evidence is currently insufficient to determine the role of this variant in disease. Therefore, it has been classified as a Variant of Uncertain Significance. This variant is not present in population databases (gnomAD no frequency). This sequence change replaces glutamic acid, which is acidic and polar, with lysine, which is basic and polar, at codon 783 of the FLNC protein (p.Glu783Lys).